The following is an entry in ClinVar:

NM_004366.6(CLCN2):c.1171-3T>C

Gene: CLCN2 (chloride voltage-gated channel 2; minus strand). Cytogenetic location: 3q27.1.
Variant type: single nucleotide variant.
Coding change: c.1171-3T>C on transcript NM_004366.6 (MANE Select); 3 bases into the intron before coding-DNA position 1171, T replaced by C.
Molecular consequence: intron variant.
Genome position (GRCh38, 1-based): chr3:184,355,532, A>G on the plus strand (T>C on the coding strand, the complement: CLCN2 is on the minus strand). VCF-style: chr3-184355532-A-G. GRCh37 (hg19) VCF-style: chr3-184073320-A-G.
Other names: c.1039-3T>C (NM_001171088.3); c.1171-3T>C (NM_001171087.3, NM_001171089.3).
Identifiers: ClinVar variation 1399239 (VCV001399239.11), dbSNP rs777453345, ClinGen allele CA2734202.

ClinVar aggregate classification (germline): Uncertain significance. Review status: criteria provided, multiple submitters, no conflicts (2 of 4 stars). 4 submissions from 4 submitters: Uncertain significance (4). Last evaluated 2024-10-07.

Conditions:
Familial hyperaldosteronism type II. Also called: FH II. Identifiers: Orphanet 404, MedGen C1854107, MONDO:0011576, OMIM 605635.
Epilepsy, idiopathic generalized, susceptibility to, 11 (EIG11). Identifiers: Orphanet 307, MedGen C2750893, MONDO:0011875, OMIM 607628.
Leukoencephalopathy with mild cerebellar ataxia and white matter edema (LKPAT). Also called: Leukoencephalopathy with white matter edema; Brain white matter edema; CLCN2-Related Leukoencephalopathy; Leukoencephalopathy with ataxia. Identifiers: Orphanet 363540, MedGen C4554120, MONDO:0014292, OMIM 615651. Disease mechanism: loss of function.

Allele frequency attached by ClinVar (database versions not stated): gnomAD exomes 0.00001 and 0.00002; ExAC 0.00002; gnomAD 0.00005 and 0.00006; TOPMed 0.00006.
gnomAD v4.1: 24 of 1,614,004 alleles (0.0015%); highest among the groups gnomAD compares: Admixed American, 0.035%; no homozygotes.

Submissions (4):

Revvity Omics, Revvity
Classification: Uncertain significance. Last evaluated: 2024-10-07. Review status: criteria provided, single submitter. Criteria: ACMG Guidelines, 2015. Collection method: clinical testing. Allele origin: germline.

Fulgent Genetics
Classification: Uncertain significance for Familial hyperaldosteronism type II; Epilepsy, idiopathic generalized, susceptibility to, 11; Leukoencephalopathy with mild cerebellar ataxia and white matter edema. Last evaluated: 2024-05-20. Review status: criteria provided, single submitter. Criteria: ACMG Guidelines, 2015. Collection method: clinical testing. Allele origin: germline.

Women's Health and Genetics/Laboratory Corporation of America, LabCorp
Classification: Uncertain significance. Last evaluated: 2024-02-19. Review status: criteria provided, single submitter. Criteria: LabCorp Variant Classification Summary - May 2015. Collection method: clinical testing. Allele origin: germline.
Comment: Variant summary: CLCN2 c.1171-3T>C alters a non-conserved nucleotide located close to a canonical splice site and therefore could affect mRNA splicing, leading to a significantly altered protein sequence. Consensus agreement among computation tools predict no significant impact on normal splicing. However, these predictions have yet to be confirmed by functional studies. The variant allele was found at a frequency of 2.4e-05 in 251404 control chromosomes. The available data on variant occurrences in the general population are insufficient to allow any conclusion about variant significance. To our knowledge, no occurrence of c.1171-3T>C in individuals affected with CLCN2-Related Disorders and no experimental evidence demonstrating its impact on protein function have been reported. ClinVar contains an entry for this variant (Variation ID: 1399239). Based on the evidence outlined above, the variant was classified as uncertain significance.

Labcorp Genetics (formerly Invitae), Labcorp
Classification: Uncertain significance. Last evaluated: 2020-12-03. Review status: criteria provided, single submitter. Criteria: Invitae Variant Classification Sherloc (09022015). Collection method: clinical testing. Allele origin: germline.
Comment: This variant has not been reported in the literature in individuals with CLCN2-related conditions. This variant is present in population databases (rs777453345, ExAC 0.02%). This sequence change falls in intron 11 of the CLCN2 gene. It does not directly change the encoded amino acid sequence of the CLCN2 protein. It affects a nucleotide within the consensus splice site of the intron. Nucleotide substitutions within the consensus splice site are a relatively common cause of aberrant splicing (PMID: 17576681, 9536098). Algorithms developed to predict the effect of sequence changes on RNA splicing suggest that this variant is not likely to affect RNA splicing, but this prediction has not been confirmed by published transcriptional studies. In summary, the available evidence is currently insufficient to determine the role of this variant in disease. Therefore, it has been classified as a Variant of Uncertain Significance.

Literature cited by the submitters: PubMed 17576681 (cited by Labcorp Genetics (formerly Invitae), Labcorp); PubMed 9536098 (cited by Labcorp Genetics (formerly Invitae), Labcorp).